The following is an entry in ClinVar:

NM_018060.4(IARS2):c.2691T>C (p.Asn897=)

Gene: IARS2 (isoleucyl-tRNA synthetase 2, mitochondrial; plus strand). Cytogenetic location: 1q41.
Variant type: single nucleotide variant.
Coding change: c.2691T>C on transcript NM_018060.4 (MANE Select); coding-DNA position 2691, T replaced by C.
Protein change: p.Asn897=; no amino-acid change (asparagine 897 retained).
Molecular consequence: synonymous variant.
Genome position (GRCh38, 1-based): chr1:220,143,074, T>C. VCF-style: chr1-220143074-T-C. GRCh37 (hg19) VCF-style: chr1-220316416-T-C.
Other names: p.Asn897=.
Identifiers: ClinVar variation 380560 (VCV000380560.39), dbSNP rs147694424, ClinGen allele CA1401832.

ClinVar aggregate classification (germline): Likely benign. Review status: criteria provided, multiple submitters, no conflicts (2 of 4 stars). 6 submissions from 6 submitters: Likely benign (6). Last evaluated 2026-09-01.

Conditions:
IARS2-related disorder. Also called: IARS2-related condition.

Allele frequency attached by ClinVar (database versions not stated): gnomAD 0.00063 and 0.00065; TOPMed 0.00071; ESP Exome Variant Server 0.00108; ExAC 0.00045; gnomAD exomes 0.00049 and 0.00062.
gnomAD v4.1: 995 of 1,614,062 alleles (0.062%); highest among the groups gnomAD compares: Middle Eastern, 0.082%; 1 homozygote.

Submissions (6):

CeGaT Center for Human Genetics Tuebingen
Classification: Likely benign. Last evaluated: 2026-09-01. Review status: criteria provided, single submitter. Criteria: CeGaT Center For Human Genetics Tuebingen Variant Classification Criteria Version 2. Collection method: clinical testing. Allele origin: germline. Affected: yes. Observed: 7 variant alleles.
Comment: IARS2: BP4, BP7

PreventionGenetics, part of Exact Sciences
Classification: Likely benign for IARS2-related condition. Last evaluated: 2026-06-29. Review status: criteria provided, single submitter. Criteria: ACMG Guidelines, 2015. Collection method: clinical testing. Allele origin: germline.
Comment: This variant is classified as likely benign based on ACMG/AMP sequence variant interpretation guidelines (Richards et al. 2015 PMID: 25741868, with internal and published modifications).

Labcorp Genetics (formerly Invitae), Labcorp
Classification: Likely benign. Last evaluated: 2025-12-05. Review status: criteria provided, single submitter. Criteria: Invitae Variant Classification Sherloc (09022015). Collection method: clinical testing. Allele origin: germline.

Mayo Clinic Laboratories, Mayo Clinic
Classification: Likely benign. Last evaluated: 2025-01-14. Review status: criteria provided, single submitter. Criteria: ACMG Guidelines, 2015. Collection method: clinical testing. Allele origin: germline. Observed: 3 variant alleles.
Comment: BP4, BP7

Blueprint Genetics
Classification: Likely benign. Last evaluated: 2024-11-13. Review status: criteria provided, single submitter. Criteria: ACMG Guidelines, 2015. Collection method: clinical testing. Allele origin: germline.

GeneDx
Classification: Likely benign. Last evaluated: 2020-08-07. Review status: criteria provided, single submitter. Criteria: GeneDx Variant Classification Process June 2021. Collection method: clinical testing. Allele origin: germline. Affected: yes.